The following is an entry in ClinVar:

NM_004370.6(COL12A1):c.2394A>C (p.Ser798=)

Gene: COL12A1 (collagen type XII alpha 1 chain; minus strand). Cytogenetic location: 6q13.
Variant type: single nucleotide variant.
Coding change: c.2394A>C on transcript NM_004370.6 (MANE Select); coding-DNA position 2394, A replaced by C.
Protein change: p.Ser798=; no amino-acid change (serine 798 retained).
Molecular consequence: synonymous variant. On other transcripts: intron variant (2).
Genome position (GRCh38, 1-based): chr6:75,177,706, T>G on the plus strand (A>C on the coding strand, the complement: COL12A1 is on the minus strand). VCF-style: chr6-75177706-T-G. GRCh37 (hg19) VCF-style: chr6-75887422-T-G.
Other names: p.Ser798=; c.2394A>C, p.Ser798= (NM_001424113.1, NM_001424114.1, NM_001424115.1); c.73+25014A>C (NM_001424116.1, NM_080645.3).
Identifiers: ClinVar variation 4683209 (VCV004683209.1).

ClinVar aggregate classification (germline): Likely benign (1 of 4 stars; one submission).

gnomAD v4.1: 66 of 1,614,052 alleles (0.0041%); highest among the groups gnomAD compares: Non-Finnish European, 0.0055%; no homozygotes.

Submission:

Mayo Clinic Laboratories, Mayo Clinic
Classification: Likely benign. Last evaluated: 2025-08-05. Review status: criteria provided, single submitter. Criteria: ACMG Guidelines, 2015. Collection method: clinical testing. Allele origin: germline. Observed: 1 variant allele.
Comment: BP4, BP7, PM2_supporting